The following is an entry in ClinVar:

NM_139318.5(KCNH5):c.409C>A (p.Pro137Thr)

Gene: KCNH5 (potassium voltage-gated channel subfamily H member 5; minus strand). Cytogenetic location: 14q23.2.
Variant type: single nucleotide variant.
Coding change: c.409C>A on transcript NM_139318.5 (MANE Select); coding-DNA position 409, C replaced by A.
Protein change: p.Pro137Thr; replaces proline 137 with threonine.
Molecular consequence: missense variant.
Genome position (GRCh38, 1-based): chr14:63,001,355, G>T on the plus strand (C>A on the coding strand, the complement: KCNH5 is on the minus strand). VCF-style: chr14-63001355-G-T. GRCh37 (hg19) VCF-style: chr14-63468073-G-T.
Other names: c.409C>A, p.Pro137Thr (NM_172375.3); short protein forms P137T.
Identifiers: ClinVar variation 2064340 (VCV002064340.4), dbSNP rs776266190, ClinGen allele CA390104999.
Genomic context (GRCh38, chr14:63,001,355, plus strand): 5'-CTAATTTTTCAGTGTAGTAATTCTTTTGAAAATTACCTTTTGTTGAATCATCCTCTATTG[G>T]CTGTTTGAACAACGTAATATCCTTGAAAGTACACAGGAACAAGACCACCTTTTCATGTTC-3'
Protein context (NP_647479.2, residues 127-147): TFKDITLFKQ[Pro137Thr]IEDDSTKGWT

ClinVar aggregate classification (germline): Uncertain significance (1 of 4 stars; one submission).

Conditions:
Early-infantile DEE. Also called: Early infantile epileptic encephalopathy with suppression bursts; Early infantile epileptic encephalopathy; Ohtahara syndrome. Identifiers: Orphanet 1934, MedGen C0393706, MONDO:0800491.

Submission:

Labcorp Genetics (formerly Invitae), Labcorp
Classification: Uncertain significance for Early-infantile DEE. Last evaluated: 2024-05-15. Review status: criteria provided, single submitter. Criteria: Invitae Variant Classification Sherloc (09022015). Collection method: clinical testing. Allele origin: germline.
Comment: This sequence change replaces proline, which is neutral and non-polar, with threonine, which is neutral and polar, at codon 137 of the KCNH5 protein (p.Pro137Thr). This variant is not present in population databases (gnomAD no frequency). This variant has not been reported in the literature in individuals affected with KCNH5-related conditions. ClinVar contains an entry for this variant (Variation ID: 2064340). An algorithm developed to predict the effect of missense changes on protein structure and function (PolyPhen-2) suggests that this variant is likely to be disruptive. In summary, the available evidence is currently insufficient to determine the role of this variant in disease. Therefore, it has been classified as a Variant of Uncertain Significance.